The following is an entry in ClinVar:

NM_002139.4(RBMX):c.791A>G (p.Asp264Gly)

Genes: RBMX (RNA binding motif protein X-linked; minus strand), LOC126863330 (MED14-independent group 3 enhancer GRCh37_chrX:135956167-135957366; plus strand). Cytogenetic location: Xq26.3.
Variant type: single nucleotide variant.
Coding change: c.791A>G on transcript NM_002139.4 (MANE Select); coding-DNA position 791, A replaced by G.
Protein change: p.Asp264Gly; replaces aspartic acid 264 with glycine.
Molecular consequence: missense variant. On other transcripts: non-coding transcript variant (2).
Genome position (GRCh38, 1-based): chrX:136,875,160, T>C on the plus strand (A>G on the coding strand, the complement: RBMX is on the minus strand). VCF-style: chrX-136875160-T-C. GRCh37 (hg19) VCF-style: chrX-135957319-T-C.
Other names: c.466A>G, p.Met156Val (NM_001164803.2); short protein forms D264G, M156V.
Identifiers: ClinVar variation 4885492 (VCV004885492.2).
Genomic context (GRCh38, chrX:136,875,160, plus strand): 5'-GAATCTCTGTAGGAACCTCCACTTGGATGATCTGAATAGTCACGATCACGACCATATCCA[T>C]CTCTATCGCTAAATTAAAGAGAAACCTTTAAGTCCCAGAGAATCAACTTTCATTGCAACT-3'
Protein context (NP_002130.2, residues 254-274): DYPSRGYSDR[Asp264Gly]GYGRDRDYSD

ClinVar aggregate classification (germline): Uncertain significance (1 of 4 stars; one submission).

Submission:

Dasa
Classification: Uncertain significance. Last evaluated: 2025-08-13. Review status: criteria provided, single submitter. Criteria: DASA Assertion Criteria. Collection method: clinical testing. Allele origin: germline.
Comment: NM_002139.4(RBMX):c.791A>G (p.Asp264Gly) is a missense variant that results in the substitution of aspartic acid with glycine. This variant is absent from population databases. The currently available literature and clinical evidence are not sufficient to establish a definitive association between this variant and the reported condition. Therefore, this variant is classified as a variant of uncertain significance.